The following is an entry in ClinVar:

NM_001793.6(CDH3):c.1626T>C (p.Asn542=)

Gene: CDH3 (cadherin 3; plus strand). Cytogenetic location: 16q22.1.
Variant type: single nucleotide variant.
Coding change: c.1626T>C on transcript NM_001793.6 (MANE Select); coding-DNA position 1626, T replaced by C.
Protein change: p.Asn542=; no amino-acid change (asparagine 542 retained).
Molecular consequence: synonymous variant.
Genome position (GRCh38, 1-based): chr16:68,687,567, T>C. VCF-style: chr16-68687567-T-C. GRCh37 (hg19) VCF-style: chr16-68721470-T-C.
Other names: c.1626T>C, p.Asn542= (NM_001317195.3); c.1461T>C, p.Asn487= (NM_001317196.2).
Identifiers: ClinVar variation 320243 (VCV000320243.19), dbSNP rs2296405, ClinGen allele CA8129427.

ClinVar aggregate classification (germline): Benign. Review status: criteria provided, multiple submitters, no conflicts (2 of 4 stars). 7 submissions from 6 submitters: Benign (7). Last evaluated 2026-02-04.

Conditions:
EEM syndrome (EEMS). Identifiers: Orphanet 1897, MedGen C1857041, MONDO:0009155, OMIM 225280.
Congenital hypotrichosis with juvenile macular dystrophy (HJMD). Also called: HYPOTRICHOSIS WITH CONE-ROD DYSTROPHY. Identifiers: Orphanet 1573, MedGen C1832162, MONDO:0011107, OMIM 601553.

Allele frequency attached by ClinVar (database versions not stated): gnomAD exomes 0.58246 and 0.60804; ExAC 0.58811; 1000 Genomes Project 30x 0.59322; 1000 Genomes Project 0.59744; TOPMed 0.61554; gnomAD 0.61880 and 0.62283; ESP Exome Variant Server 0.63604.
gnomAD v4.1: 982,527 of 1,613,532 alleles (61%); highest among the groups gnomAD compares: African/African-American, 67%; 300,610 homozygotes.

Submissions (7):

Labcorp Genetics (formerly Invitae), Labcorp
Classification: Benign. Last evaluated: 2026-02-04. Review status: criteria provided, single submitter. Criteria: Invitae Variant Classification Sherloc (09022015). Collection method: clinical testing. Allele origin: germline.

Blueprint Genetics
Classification: Benign. Last evaluated: 2024-11-28. Review status: criteria provided, single submitter. Criteria: ACMG Guidelines, 2015. Collection method: clinical testing. Allele origin: germline.

Genome-Nilou Lab
Classification: Benign for EEM syndrome. Last evaluated: 2021-07-14. Review status: criteria provided, single submitter. Criteria: ACMG Guidelines, 2015. Collection method: clinical testing. Allele origin: germline. Affected: no.

Genome-Nilou Lab
Classification: Benign for Congenital hypotrichosis with juvenile macular dystrophy. Last evaluated: 2021-07-14. Review status: criteria provided, single submitter. Criteria: ACMG Guidelines, 2015. Collection method: clinical testing. Allele origin: germline. Affected: no.

GeneDx
Classification: Benign. Last evaluated: 2018-04-26. Review status: criteria provided, single submitter. Criteria: GeneDx Variant Classification (06012015). Collection method: clinical testing. Allele origin: germline. Affected: yes.
Comment: This variant is considered likely benign or benign based on one or more of the following criteria: it is a conservative change, it occurs at a poorly conserved position in the protein, it is predicted to be benign by multiple in silico algorithms, and/or has population frequency not consistent with disease.

Illumina Laboratory Services, Illumina
Classification: Benign for EEM syndrome. Last evaluated: 2018-01-13. Review status: criteria provided, single submitter. Criteria: ICSL Variant Classification Criteria 13 December 2019. Collection method: clinical testing. Allele origin: germline.
Comment: This variant was observed in the ICSL laboratory as part of a predisposition screen in an ostensibly healthy population. It had not been previously curated by ICSL or reported in the Human Gene Mutation Database (HGMD: prior to June 1st, 2018), and was therefore a candidate for classification through an automated scoring system. Utilizing variant allele frequency, disease prevalence and penetrance estimates, and inheritance mode, an automated score was calculated to assess if this variant is too frequent to cause the disease. Based on the score and internal cut-off values, a variant classified as benign is not then subjected to further curation. The score for this variant resulted in a classification of benign for this disease.

Breakthrough Genomics
Classification: Benign. Review status: criteria provided, single submitter. Criteria: ACMG Guidelines, 2015. Collection method: not provided. Allele origin: germline. Inheritance: Autosomal recessive inheritance. Affected: yes.